The following is an entry in ClinVar:

ClinVar aggregate classification (germline): Conflicting classifications of pathogenicity. Review status: criteria provided, conflicting classifications (1 of 4 stars). 2 submissions from 2 submitters: Uncertain significance (1); Benign (1). Last evaluated 2026-03-24.

Conditions:
Exostoses, multiple, type 2 (EXT2). Also called: Hereditary Multiple Osteochondromatosis, Type II; EXOSTOSES, MULTIPLE, TYPE II. Identifiers: Orphanet 321, MedGen C1851413, MONDO:0007586, OMIM 133701.

Allele frequency attached by ClinVar (database versions not stated): gnomAD 0.00001; gnomAD exomes 0.00001; TOPMed 0.00002.
gnomAD v4.1: 13 of 1,614,026 alleles (0.00081%); highest among the groups gnomAD compares: East Asian, 0.013%; no homozygotes.

Submissions (2):

Women's Health and Genetics/Laboratory Corporation of America, LabCorp
Classification: Uncertain significance. Last evaluated: 2026-03-24. Review status: criteria provided, single submitter. Criteria: LabCorp Variant Classification Summary - May 2015. Collection method: clinical testing. Allele origin: germline.
Comment: Variant summary: EXT2 c.1126A>G (p.Ile376Val) results in a conservative amino acid change in the encoded protein sequence. Algorithms developed to predict the effect of missense changes on protein structure and function are either unavailable or do not agree on the potential impact of this missense change. The variant allele was found at a frequency of 8e-06 in 251462 control chromosomes. The available data on variant occurrences in the general population are insufficient to allow any conclusion about variant significance. To our knowledge, no occurrence of c.1126A>G in individuals affected with EXT2-related conditions and no experimental evidence demonstrating its impact on protein function have been reported. ClinVar contains an entry for this variant (Variation ID: 732047). Based on the evidence outlined above, the variant was classified as uncertain significance.

Labcorp Genetics (formerly Invitae), Labcorp
Classification: Benign for Exostoses, multiple, type 2. Last evaluated: 2025-09-12. Review status: criteria provided, single submitter. Criteria: Invitae Variant Classification Sherloc (09022015). Collection method: clinical testing. Allele origin: germline.

NM_207122.2(EXT2):c.1126A>G (p.Ile376Val)

Gene: EXT2 (exostosin glycosyltransferase 2; plus strand). Cytogenetic location: 11p11.2.
Variant type: single nucleotide variant.
Coding change: c.1126A>G on transcript NM_207122.2 (MANE Select); coding-DNA position 1126, A replaced by G.
Protein change: p.Ile376Val; replaces isoleucine 376 with valine.
Molecular consequence: missense variant.
Genome position (GRCh38, 1-based): chr11:44,130,091, A>G. VCF-style: chr11-44130091-A-G. GRCh37 (hg19) VCF-style: chr11-44151641-A-G.
Other names: c.1225A>G, p.Ile409Val (NM_000401.3); c.1126A>G, p.Ile376Val (NM_001178083.3, NM_001389628.1, NM_001389630.1); short protein forms I376V, I409V.
Identifiers: ClinVar variation 732047 (VCV000732047.12), dbSNP rs1465688101, ClinGen allele CA380170368.